The following is an entry in ClinVar:

NM_000059.4(BRCA2):c.9256+1G>C

Gene: BRCA2 (BRCA2 DNA repair associated; plus strand). Cytogenetic location: 13q13.1.
Variant type: single nucleotide variant.
Coding change: c.9256+1G>C on transcript NM_000059.4 (MANE Select); the canonical splice donor site of the intron after coding-DNA position 9256, G replaced by C.
Molecular consequence: splice donor variant.
Genome position (GRCh38, 1-based): chr13:32,380,146, G>C. VCF-style: chr13-32380146-G-C. GRCh37 (hg19) VCF-style: chr13-32954283-G-C.
Other names: IVS24+1G>C; c.9205+1G>C (NM_001406720.1); c.9160+1G>C (NM_001406719.1); c.4324+1G>C (NM_001406721.1); c.2839+1G>C (NM_001406722.1).
Identifiers: ClinVar variation 96881 (VCV000096881.18), dbSNP rs81002883, ClinGen allele CA026058.

ClinVar aggregate classification (germline): Pathogenic/Likely pathogenic. Review status: criteria provided, multiple submitters, no conflicts (2 of 4 stars). 7 submissions from 7 submitters: Pathogenic (3); Likely pathogenic (3). 1 of the submissions does not count toward it. Last evaluated 2025-03-04.

Conditions:
Hereditary cancer-predisposing syndrome. Also called: Hereditary Cancer Syndrome; Neoplastic Syndromes, Hereditary; Hereditary neoplastic syndrome; Tumor predisposition. Identifiers: Orphanet 140162, MedGen C0027672, MeSH D009386, MONDO:0015356.
Hereditary breast ovarian cancer syndrome. Also called: Breast and ovarian cancer; Hereditary breast and/or ovarian cancer syndrome; Hereditary breast and ovarian cancer; Hereditary breast and ovarian cancer syndrome; Hereditary breast and ovarian cancer syndrome (HBOC); BRCA1- and BRCA2-Associated Hereditary Breast and Ovarian Cancer. Identifiers: Orphanet 145, MedGen C0677776, MeSH D061325, MONDO:0003582. Disease mechanism: loss of function.
Breast-ovarian cancer, familial, susceptibility to, 2 (BROVCA2). Also called: BRCA2 Hereditary Breast and Ovarian Cancer. Identifiers: Orphanet 145, MedGen C2675520, MONDO:0012933, OMIM 612555. Disease mechanism: loss of function.

Allele frequency attached by ClinVar (database versions not stated): TOPMed below 0.00001.

Submissions (7):

Color Diagnostics, LLC DBA Color Health
Classification: Likely pathogenic for Hereditary cancer-predisposing syndrome. Last evaluated: 2025-03-04. Review status: criteria provided, single submitter. Criteria: ACMG Guidelines, 2015. Collection method: clinical testing. Allele origin: germline.
Comment: This variant causes a G to C nucleotide substitution at the +1 position of intron 24 of the BRCA2 gene. Splice site prediction tools predict that this variant may have a significant impact on RNA splicing. Although this prediction has not been confirmed in published RNA studies, another substitution in this nucleotide, c.9256+1G>A has been shown to cause the out-of-frame skipping of exon 24 (PMID: 12759930, 25382762). A functional study has reported that this variant is non-functional in a haploid cell proliferation assay (PMID: 39779857). This variant has been reported in two suspected hereditary breast and ovarian cancer families (PMID: 29446198). This variant has not been identified in the general population by the Genome Aggregation Database (gnomAD). A different variant affecting the same splice site, c.9256+1G>A, is considered to be disease-causing (ClinVar variation ID: 52787). Loss of BRCA2 function is a known mechanism of disease. Based on the available evidence, this variant is classified as Likely Pathogenic.

Labcorp Genetics (formerly Invitae), Labcorp
Classification: Pathogenic for Hereditary breast ovarian cancer syndrome. Last evaluated: 2024-12-02. Review status: criteria provided, single submitter. Criteria: Invitae Variant Classification Sherloc (09022015). Collection method: clinical testing. Allele origin: germline.
Comment: This sequence change affects a donor splice site in intron 24 of the BRCA2 gene. RNA analysis indicates that disruption of this splice site induces altered splicing and may result in an absent or altered protein product. This variant is not present in population databases (gnomAD no frequency). Disruption of this splice site has been observed in individual(s) with breast and prostate cancer (PMID: 12759930). It has also been observed to segregate with disease in related individuals. ClinVar contains an entry for this variant (Variation ID: 96881). Studies have shown that disruption of this splice site results in skipping of exon 24, and produces a non-functional protein and/or introduces a premature termination codon (PMID: 12759930, 22632462, 25382762). For these reasons, this variant has been classified as Pathogenic.

Ambry Genetics
Classification: Likely pathogenic for Hereditary cancer-predisposing syndrome. Last evaluated: 2024-05-22. Review status: criteria provided, single submitter. Criteria: Ambry Variant Classification Scheme 2023. Collection method: clinical testing. Allele origin: germline.
Comment: The c.9256+1G>C intronic variant results from a G to C substitution one nucleotide after coding exon 23 of the BRCA2 gene. This nucleotide position is highly conserved in available vertebrate species. This alteration has been identified in breast and ovarian cancer cohorts (Rebbeck, TR et al. Hum Mutat 2018 May;39(5):593-620; Li, A et al. Gynecol Oncol 2018 Oct;151(1):145-152). Another alteration impacting the same donor site (c.9256+1G>A) has been shown to result in aberrant splicing (Claes K et al. Genes Chromosomes Cancer 2003 Jul;37(3):314-20; Acedo A et al. Hum. Mutat. 2015 Feb;36(2):210-21). In silico splice site analysis predicts that this alteration will weaken the native splice donor site; however, direct evidence is insufficient at this time (Ambry internal data). This variant is considered to be rare based on population cohorts in the Genome Aggregation Database (gnomAD). Alterations that disrupt the canonical splice site are expected to cause aberrant splicing, resulting in an abnormal protein or a transcript that is subject to nonsense-mediated mRNA decay. As such, this alteration is classified as likely pathogenic.

All of Us Research Program, National Institutes of Health
Classification: Pathogenic for Breast-ovarian cancer, familial, susceptibility to, 2. Last evaluated: 2023-05-20. Review status: criteria provided, single submitter. Criteria: ACMG Guidelines, 2015. Collection method: clinical testing. Allele origin: germline. Inheritance: Autosomal dominant inheritance. Observed: 1 variant allele, 1 heterozygote.
Comment: This variant disrupts a canonical splice site and is predicted to result in abnormal splicing. Aberrant splicing and/or loss of function is an established mechanism of disease. This prediction has not been confirmed by functional studies. This variant has been reported in multiple individuals with hereditary breast and ovarian cancer syndrome (PMID: 28184943, 29446198). This variant is absent from or rare in large population databases, including the Genome Aggregation Database.

This study involves interpretation of variants in research participants for the purpose of population health screening. Participant phenotype was not available at the time of variant classification. Additional details can be found in publication PMID: 35346344, PMCID: PMC8962531

Sema4
Classification: Likely pathogenic for Hereditary cancer-predisposing syndrome. Last evaluated: 2021-06-01. Review status: criteria provided, single submitter. Criteria: Sema4 Curation Guidelines. Collection method: curation. Allele origin: germline.
Comment: The BRCA2 c.9256+1G>C variant has been reported in heterozygosity in at least two individuals with breast cancer (PMID: 29446198). This variant affects a nucleotide within a consensus splice site of an intron. This variant may cause exon skipping, intron retention or use of a cryptic splice site, likely leading to loss of function. Loss of function variants in BRCA1 or BRCA2 are known to be pathogenic (PMID: 29446198). Another nucleotide affecting the same nucleotide (c.9256G>A) has also been reported in affected individuals. This variant is not reported in the Genome Aggregation Database (PMID: 32461654) but has been reported in ClinVar (Variation ID: 96881). Based on the current evidence available, this variant is interpreted as likely pathogenic.

Consortium of Investigators of Modifiers of BRCA1/2 (CIMBA), c/o University of Cambridge
Classification: Pathogenic for Breast-ovarian cancer, familial, susceptibility to, 2. Last evaluated: 2015-10-02. Review status: criteria provided, single submitter. Criteria: CIMBA Mutation Classification guidelines May 2016. Collection method: clinical testing. Allele origin: germline.

Sharing Clinical Reports Project (SCRP)
Classification: Pathogenic for Breast-ovarian cancer, familial 2. Last evaluated: 2008-05-05. Review status: no assertion criteria provided. Collection method: clinical testing. Allele origin: germline. Not counted in ClinVar's aggregate classification.

Literature cited by the submitters: PubMed 12759930 (cited by 3 submitters); PubMed 25382762 (cited by Color Diagnostics, LLC DBA Color Health and Labcorp Genetics (formerly Invitae), Labcorp); PubMed 29446198 (cited by 4 submitters); PubMed 39779857 (cited by Color Diagnostics, LLC DBA Color Health); PubMed 22632462 (cited by Labcorp Genetics (formerly Invitae), Labcorp and Ambry Genetics); PubMed 20104584 (cited by Ambry Genetics); PubMed 30078507 (cited by Ambry Genetics); PubMed 28184943 (cited by All of Us Research Program, National Institutes of Health).